The following is an entry in ClinVar:

ClinVar aggregate classification (germline): Uncertain significance. Review status: criteria provided, multiple submitters, no conflicts (2 of 4 stars). 4 submissions from 4 submitters: Uncertain significance (4). Last evaluated 2024-06-14.

Conditions:
Hereditary cancer-predisposing syndrome. Also called: Hereditary Cancer Syndrome; Neoplastic Syndromes, Hereditary; Hereditary neoplastic syndrome; Tumor predisposition. Identifiers: Orphanet 140162, MedGen C0027672, MeSH D009386, MONDO:0015356.
Cardiovascular phenotype. Identifiers: MedGen CN230736.
Neurofibromatosis, type 1 (NF1). Also called: Peripheral type neurofibromatosis; Neurofibromatosis, type I; NEUROFIBROMATOSIS, TYPE I, SOMATIC; VON RECKLINGHAUSEN DISEASE. Identifiers: Orphanet 636, MedGen C0027831, MONDO:0018975, OMIM 162200. Disease mechanism: loss of function.

Submissions (4):

GeneDx
Classification: Uncertain significance. Last evaluated: 2024-06-14. Review status: criteria provided, single submitter. Criteria: GeneDx Variant Classification Process June 2021. Collection method: clinical testing. Allele origin: germline. Affected: yes.
Comment: Not observed at significant frequency in large population cohorts (gnomAD); In silico analysis supports that this missense variant has a deleterious effect on protein structure/function; Has not been previously published as pathogenic or benign to our knowledge; This variant is associated with the following publications: (PMID: 25486365)

Genome-Nilou Lab
Classification: Uncertain significance for Neurofibromatosis, type 1. Last evaluated: 2022-03-15. Review status: criteria provided, single submitter. Criteria: ACMG Guidelines, 2015. Collection method: clinical testing. Allele origin: germline. Affected: no.

Labcorp Genetics (formerly Invitae), Labcorp
Classification: Uncertain significance for Neurofibromatosis, type 1. Last evaluated: 2019-08-23. Review status: criteria provided, single submitter. Criteria: Invitae Variant Classification Sherloc (09022015). Collection method: clinical testing. Allele origin: germline.
Comment: This variant has not been reported in the literature in individuals with NF1-related conditions. Algorithms developed to predict the effect of missense changes on protein structure and function are either unavailable or do not agree on the potential impact of this missense change (SIFT: "Deleterious"; PolyPhen-2: "Probably Damaging"; Align-GVGD: "Class C0"). In summary, the available evidence is currently insufficient to determine the role of this variant in disease. Therefore, it has been classified as a Variant of Uncertain Significance. This variant is not present in population databases (ExAC no frequency). This sequence change replaces phenylalanine with leucine at codon 694 of the NF1 protein (p.Phe694Leu). The phenylalanine residue is highly conserved and there is a small physicochemical difference between phenylalanine and leucine.

Ambry Genetics
Classification: Uncertain significance for Cardiovascular phenotype; Hereditary cancer-predisposing syndrome. Last evaluated: 2019-08-13. Review status: criteria provided, single submitter. Criteria: Ambry Variant Classification Scheme 2023. Collection method: clinical testing. Allele origin: germline.
Comment: The p.F694L variant (also known as c.2080T>C), located in coding exon 18 of the NF1 gene, results from a T to C substitution at nucleotide position 2080. The phenylalanine at codon 694 is replaced by leucine, an amino acid with highly similar properties. This amino acid position is highly conserved in available vertebrate species. In addition, the in silico prediction for this alteration is inconclusive. Since supporting evidence is limited at this time, the clinical significance of this alteration remains unclear.

NM_001042492.3(NF1):c.2080T>C (p.Phe694Leu)

Gene: NF1 (neurofibromin 1; plus strand). Cytogenetic location: 17q11.2.
Variant type: single nucleotide variant.
Coding change: c.2080T>C on transcript NM_001042492.3 (MANE Select); coding-DNA position 2080, T replaced by C.
Protein change: p.Phe694Leu; replaces phenylalanine 694 with leucine.
Molecular consequence: missense variant.
Genome position (GRCh38, 1-based): chr17:31,226,513, T>C. VCF-style: chr17-31226513-T-C. GRCh37 (hg19) VCF-style: chr17-29553531-T-C.
Other names: c.2080T>C, p.Phe694Leu (NM_000267.4); short protein forms F694L.
Identifiers: ClinVar variation 820675 (VCV000820675.13), dbSNP rs1597712476, ClinGen allele CA398982196.
Genomic context (GRCh38, chr17:31,226,513, plus strand): 5'-AGCGGAACCCCCCCGATTTGCCGACAAGCCCAGACCAAACTAGAAGTGGCCCTGTACATG[T>C]TTCTGTGGAACCCTGACACTGAAGCTGTTCTGGTTGCCATGTCCTGTTTCCGCCACCTCT-3'
Protein context (NP_001035957.1, residues 684-704): QTKLEVALYM[Phe694Leu]LWNPDTEAVL